The following is an entry in ClinVar:

ClinVar aggregate classification (germline): Likely pathogenic (1 of 4 stars; one submission).

Conditions:
Ciliary dyskinesia, primary, 50 (CILD50). Identifiers: MedGen C5830473, MONDO:0957252, OMIM 620356.

Submission:

Department of Molecular Genetics, Istishari Arab Hospital
Classification: Likely pathogenic for Ciliary dyskinesia, primary, 50. Last evaluated: 2025-07-10. Review status: criteria provided, single submitter. Criteria: ACMG Guidelines, 2015. Collection method: clinical testing. Allele origin: inherited. Inheritance: Autosomal recessive inheritance. Affected: yes.
Comment: The DNAH7 variant c.3135dup, p.Ser1046Ilefs*2, creates a shift in the reading frame at position 1046 resulting in termination 2 positions downstream. To the best of our knowledge, this variant was not previously reported in literature. It is classified as likely pathogenic (class 2) based on the recommendations of ACMG/AMP/ClinGen SVI guidelines.

NM_018897.3(DNAH7):c.3135dup (p.Ser1046fs)

Gene: DNAH7 (dynein axonemal heavy chain 7; minus strand). Cytogenetic location: 2q32.3.
Variant type: Duplication.
Coding change: c.3135dup on transcript NM_018897.3 (MANE Select); coding-DNA position 3135, one base duplicated (A; older notation c.3135dupA).
Protein change: p.Ser1046fs; shifts the reading frame from serine 1046.
Molecular consequence: frameshift variant.
Genome position (GRCh38, 1-based): chr2:195,936,736, T duplicated on the plus strand (A on the coding strand, the reverse complement: DNAH7 is on the minus strand); the first of 6 consecutive T bases (chr2:195,936,736-195,936,741); duplicating any one gives the same sequence. VCF-style (leftmost placement, unchanged base first): chr2-195936735-A-AT. GRCh37 (hg19) VCF-style: chr2-196801459-A-AT.
Other names: p.Ser1046Ilefs*2; short protein forms S1046fs.
Identifiers: ClinVar variation 4056355 (VCV004056355.1).